The following is an entry in ClinVar:

NM_032043.3(BRIP1):c.3180A>G (p.Val1060=)

Gene: BRIP1 (BRCA1 interacting helicase 1; minus strand). Cytogenetic location: 17q23.2.
Variant type: single nucleotide variant.
Coding change: c.3180A>G on transcript NM_032043.3 (MANE Select); coding-DNA position 3180, A replaced by G.
Protein change: p.Val1060=; no amino-acid change (valine 1060 retained).
Molecular consequence: synonymous variant.
Genome position (GRCh38, 1-based): chr17:61,683,866, T>C on the plus strand (A>G on the coding strand, the complement: BRIP1 is on the minus strand). VCF-style: chr17-61683866-T-C. GRCh37 (hg19) VCF-style: chr17-59761227-T-C.
Identifiers: ClinVar variation 929534 (VCV000929534.1), dbSNP rs2061317418, ClinGen allele CA501335315.

ClinVar aggregate classification (germline): Uncertain significance (0 of 4 stars; one submission).

Submission:

Leiden Open Variation Database
Classification: Uncertain significance. Last evaluated: 2019-08-13. Review status: no assertion criteria provided. Collection method: curation. Allele origin: germline. Affected: yes.
Comment: Curator: Arleen D. Auerbach. Submitter to LOVD: Yukihide Momozawa.

Literature cited by the submitters: PubMed 31214711.